The following is an entry in ClinVar:

NM_025047.3(ARL14):c.531C>T (p.Ser177=)

Gene: ARL14 (ARF like GTPase 14; plus strand). Cytogenetic location: 3q25.33.
Variant type: single nucleotide variant.
Coding change: c.531C>T on transcript NM_025047.3 (MANE Select); coding-DNA position 531, C replaced by T.
Protein change: p.Ser177=; no amino-acid change (serine 177 retained).
Molecular consequence: synonymous variant.
Genome position (GRCh38, 1-based): chr3:160,677,877, C>T. VCF-style: chr3-160677877-C-T. GRCh37 (hg19) VCF-style: chr3-160395665-C-T.
Identifiers: ClinVar variation 2654260 (VCV002654260.24), dbSNP rs1253079341, ClinGen allele CA436656124.
Genomic context (GRCh38, chr3:160,677,877, plus strand): 5'-TGCCCTCACAGGGGAGGGGCTGGCCCAGGGGTTCAGGAAATTAACTGGATTTGTGAAGAG[C>T]CACATGAAATCAAGAGGAGACACTTTGGCGTTCTTCAAGCAGAACTGAGGCTGCGAAAAA-3'
Protein context (NP_079323.1, residues 167-187): GFRKLTGFVK[Ser177=]HMKSRGDTLA

ClinVar aggregate classification (germline): Likely benign (1 of 4 stars; one submission).

Submission:

CeGaT Center for Human Genetics Tuebingen
Classification: Likely benign. Last evaluated: 2022-09-01. Review status: criteria provided, single submitter. Criteria: CeGaT Center For Human Genetics Tuebingen Variant Classification Criteria Version 2. Collection method: clinical testing. Allele origin: germline. Affected: yes. Observed: 1 variant allele.
Comment: ARL14: PM2:Supporting, BP4, BP7